The following is an entry in ClinVar:

NM_002778.4(PSAP):c.19C>A (p.Leu7Met)

Gene: PSAP (prosaposin; minus strand). Cytogenetic location: 10q22.1.
Variant type: single nucleotide variant.
Coding change: c.19C>A on transcript NM_002778.4 (MANE Select); coding-DNA position 19, C replaced by A.
Protein change: p.Leu7Met; replaces leucine 7 with methionine.
Molecular consequence: missense variant.
Genome position (GRCh38, 1-based): chr10:71,851,203, G>T on the plus strand (C>A on the coding strand, the complement: PSAP is on the minus strand). VCF-style: chr10-71851203-G-T. GRCh37 (hg19) VCF-style: chr10-73610960-G-T.
Other names: c.19C>A, p.Leu7Met (NM_001042465.3, NM_001042466.3); short protein forms L7M.
Identifiers: ClinVar variation 1350318 (VCV001350318.5), dbSNP rs768373930, ClinGen allele CA377159521.

ClinVar aggregate classification (germline): Uncertain significance (1 of 4 stars; one submission).

Conditions:
Sphingolipid activator protein 1 deficiency. Also called: Metachromatic leukodystrophy due to saposin B deficiency; Saposin B Deficiency; METACHROMATIC LEUKODYSTROPHY DUE TO CEREBROSIDE SULFATASE ACTIVATOR DEFICIENCY. Identifiers: Orphanet 512, MedGen C0268262, MONDO:0009590, OMIM 249900.

Submission:

Labcorp Genetics (formerly Invitae), Labcorp
Classification: Uncertain significance for Sphingolipid activator protein 1 deficiency. Last evaluated: 2024-10-15. Review status: criteria provided, single submitter. Criteria: Invitae Variant Classification Sherloc (09022015). Collection method: clinical testing. Allele origin: germline.
Comment: This sequence change replaces leucine, which is neutral and non-polar, with methionine, which is neutral and non-polar, at codon 7 of the PSAP protein (p.Leu7Met). This variant is not present in population databases (gnomAD no frequency). This variant has not been reported in the literature in individuals affected with PSAP-related conditions. ClinVar contains an entry for this variant (Variation ID: 1350318). Invitae Evidence Modeling of protein sequence and biophysical properties (such as structural, functional, and spatial information, amino acid conservation, physicochemical variation, residue mobility, and thermodynamic stability) has been performed for this missense variant. However, the output from this modeling did not meet the statistical confidence thresholds required to predict the impact of this variant on PSAP protein function. In summary, the available evidence is currently insufficient to determine the role of this variant in disease. Therefore, it has been classified as a Variant of Uncertain Significance.